The following is an entry in ClinVar:

ClinVar aggregate classification (germline): not provided (0 of 4 stars; one submission).

Allele frequency attached by ClinVar (database versions not stated): gnomAD 0.00490 and 0.00532; TOPMed 0.00566; 1000 Genomes Project 0.00699; 1000 Genomes Project 30x 0.00734.

Submission:

Human Evolutionary Genetics, Institut Pasteur
No classification provided. Review status: no classification provided. Collection method: not provided. Allele origin: germline.
ClinVar note: Converted during submission from untested to not provided.

NC_000007.14:g.30478839C>G

Gene: NOD1 (nucleotide binding oligomerization domain containing 1; minus strand). Cytogenetic location: 7p14.3.
Variant type: single nucleotide variant.
Genome position: GRCh38 VCF-style: chr7-30478839-C-G. GRCh37 (hg19) VCF-style: chr7-30518455-C-G.
Identifiers: ClinVar variation 102941 (VCV000102941.2), dbSNP rs199475895, ClinGen allele CA229904.